The following is an entry in ClinVar:

ClinVar aggregate classification (germline): Pathogenic (1 of 4 stars; one submission).

Conditions:
Propionic acidemia (PROP). Also called: GLYCINEMIA, KETOTIC; HYPERGLYCINEMIA WITH KETOACIDOSIS AND LEUKOPENIA; KETOTIC HYPERGLYCINEMIA. Identifiers: Orphanet 35, MedGen C0268579, MONDO:0011628, OMIM 606054, HP:0003571.

Submission:

Cellular and Molecular Research Center, Cellular and Molecular Medicine Research Institute,, Urmia University of Medical Sciences
Classification: Pathogenic for Propionic acidemia. Last evaluated: 2026-10-14. Review status: criteria provided, single submitter. Criteria: ACMG Guidelines, 2015. Collection method: clinical testing. Allele origin: germline. Inheritance: Autosomal recessive inheritance. Affected: yes. Observed: 1 variant allele, 1 homozygote.
Comment: The PCCB gene (OMIM: 232050) encodes the beta subunit of mitochondrial propionyl-CoA carboxylase (PCC), a biotin-dependent enzyme involved in the metabolism of certain amino acids, odd-chain fatty acids, and cholesterol. The enzyme consists of alpha and beta subunits, encoded by the PCCA and PCCB genes, respectively.The variant c.63_64insG represents a single-nucleotide insertion in which an additional guanine (G) nucleotide is inserted between coding DNA positions 63 and 64 of the PCCB transcript. This is a 1-bp insertion (duplication/insertion event) rather than a nucleotide substitution or deletion. Because the inserted nucleotide changes the reading frame, it is predicted to cause a frameshift mutation. The expected molecular consequences include: - Alteration of the downstream amino acid sequence, beginning at approximately codon 22. - Potential introduction of a premature termination codon. - Production of a truncated or dysfunctional PCCB protein. - Possible degradation of the abnormal mRNA through nonsense-mediated decay (NMD). Disruption of the PCCB protein can impair the assembly or function of propionyl-CoA carboxylase, resulting in reduced enzyme activity and accumulation of propionyl-CoA-derived metabolites.The PCCB c.63_64insG variant is a single-guanine insertion predicted to cause a frameshift and potentially result in premature termination of protein translation. This predicted loss-of-function effect is consistent with the established molecular disease mechanism of autosomal recessive propionic acidemia.

Literature cited by the submitters: DOI 10.1016/0888-7543(90)90279-4..

NM_000532.5(PCCB):c.63_64insG (p.Arg22fs)

Gene: PCCB (propionyl-CoA carboxylase subunit beta; plus strand). Cytogenetic location: 3q22.3.
Variant type: Insertion.
Coding change: c.63_64insG on transcript NM_000532.5 (MANE Select); coding-DNA positions 63 to 64, G inserted.
Protein change: p.Arg22fs; shifts the reading frame from arginine 22.
Molecular consequence: frameshift variant.
Genome position: GRCh38 VCF-style: chr3-136250438-C-CG. GRCh37 (hg19) VCF-style: chr3-135969280-C-CG.
Other names: c.63_64insG, p.Arg22fs (NM_001178014.2); short protein forms R22fs.
Identifiers: ClinVar variation 5041970 (VCV005041970.1).